The following is an entry in ClinVar:

ClinVar aggregate classification (germline): Likely benign. Review status: criteria provided, multiple submitters, no conflicts (2 of 4 stars). 7 submissions from 7 submitters: Likely benign (6). 1 of the submissions does not count toward it. Last evaluated 2026-01-16.

Conditions:
MAP2K1-related disorder. Also called: MAP2K1-related condition; MAP2K1-related disorders.
RASopathy. Also called: Noonan spectrum disorder; rasopathies. Identifiers: Orphanet 536391, MedGen C5555857, MONDO:0021060.
Cardiovascular phenotype. Identifiers: MedGen CN230736.

Allele frequency attached by ClinVar (database versions not stated): ExAC 0.00004; gnomAD 0.00005; TOPMed 0.00010.
gnomAD v4.1: 49 of 1,613,618 alleles (0.003%); highest among the groups gnomAD compares: Middle Eastern, 0.018%; no homozygotes.

Submissions (7):

Labcorp Genetics (formerly Invitae), Labcorp
Classification: Likely benign for RASopathy. Last evaluated: 2026-01-16. Review status: criteria provided, single submitter. Criteria: Invitae Variant Classification Sherloc (09022015). Collection method: clinical testing. Allele origin: germline.

Mayo Clinic Laboratories, Mayo Clinic
Classification: Likely benign. Last evaluated: 2025-01-02. Review status: criteria provided, single submitter. Criteria: ACMG Guidelines, 2015. Collection method: clinical testing. Allele origin: germline. Observed: 1 variant allele.
Comment: BP4, BP7

CeGaT Center for Human Genetics Tuebingen
Classification: Likely benign. Last evaluated: 2023-11-01. Review status: criteria provided, single submitter. Criteria: CeGaT Center For Human Genetics Tuebingen Variant Classification Criteria Version 2. Collection method: clinical testing. Allele origin: germline. Affected: yes. Observed: 1 variant allele.
Comment: MAP2K1: BP4

Blueprint Genetics
Classification: Likely benign. Last evaluated: 2023-10-24. Review status: criteria provided, single submitter. Criteria: ACMG Guidelines, 2015. Collection method: clinical testing. Allele origin: germline.

GeneDx
Classification: Likely benign. Last evaluated: 2021-06-07. Review status: criteria provided, single submitter. Criteria: GeneDx Variant Classification Process June 2021. Collection method: clinical testing. Allele origin: germline. Affected: yes.

Ambry Genetics
Classification: Likely benign for Cardiovascular phenotype. Last evaluated: 2020-12-18. Review status: criteria provided, single submitter. Criteria: Ambry Variant Classification Scheme 2023. Collection method: clinical testing. Allele origin: germline.

PreventionGenetics, part of Exact Sciences
Classification: Likely benign for MAP2K1-related condition. Last evaluated: 2024-07-10. Review status: no assertion criteria provided. Collection method: clinical testing. Allele origin: germline. Not counted in ClinVar's aggregate classification.
Comment: This variant is classified as likely benign based on ACMG/AMP sequence variant interpretation guidelines (Richards et al. 2015 PMID: 25741868, with internal and published modifications).

NM_002755.4(MAP2K1):c.729G>A (p.Gln243=)

Gene: MAP2K1 (mitogen-activated protein kinase kinase 1; plus strand). Cytogenetic location: 15q22.31.
Variant type: single nucleotide variant.
Coding change: c.729G>A on transcript NM_002755.4 (MANE Select); coding-DNA position 729, G replaced by A.
Protein change: p.Gln243=; no amino-acid change (glutamine 243 retained).
Molecular consequence: synonymous variant.
Genome position (GRCh38, 1-based): chr15:66,485,025, G>A. VCF-style: chr15-66485025-G-A. GRCh37 (hg19) VCF-style: chr15-66777363-G-A.
Other names: p.Gln243=.
Identifiers: ClinVar variation 1112737 (VCV001112737.36), dbSNP rs772752167, ClinGen allele CA7624013.